The following is an entry in ClinVar:

ClinVar aggregate classification (germline): Conflicting classifications of pathogenicity. Review status: criteria provided, conflicting classifications (1 of 4 stars). 3 submissions from 3 submitters: Likely pathogenic (1); Uncertain significance (2). Last evaluated 2025-04-23.

Conditions:
LMX1A-related disorder. Also called: LMX1A-related condition.
Autosomal dominant nonsyndromic hearing loss 7. Also called: Deafness, autosomal dominant 7. Identifiers: Orphanet 90635, MedGen C1832379, MONDO:0011074, OMIM 601412.

Allele frequency attached by ClinVar (database versions not stated): gnomAD exomes 0.00001; ExAC 0.00002; TOPMed 0.00002.
gnomAD v4.1: 16 of 1,614,082 alleles (0.00099%); highest among the groups gnomAD compares: South Asian, 0.0022%; no homozygotes.

Submissions (3):

PreventionGenetics, part of Exact Sciences
Classification: Uncertain significance for LMX1A-related condition. Last evaluated: 2025-04-23. Review status: criteria provided, single submitter. Criteria: ACMG Guidelines, 2015. Collection method: clinical testing. Allele origin: germline.
Comment: The LMX1A c.937C>T variant is predicted to result in premature protein termination (p.Arg313*). To our knowledge, this variant has not been reported in the literature. This variant is reported in 0.014% of alleles in individuals of European (Finnish) descent in gnomAD. No LMX1A truncating variants downstream of this position have been reported in the literature. At this time, the clinical significance of this variant is uncertain due to the absence of conclusive functional and genetic evidence.

Department of Human Genetics, Hannover Medical School
Classification: Likely pathogenic for Autosomal dominant nonsyndromic hearing loss 7. Last evaluated: 2023-05-31. Review status: criteria provided, single submitter. Criteria: ACMG Guidelines, 2015. Collection method: clinical testing. Allele origin: germline. Affected: yes.
Comment: This alteration leads to a premature stop signal, most likely resulting in degradation of the formed mRNA via nonsense-mediated mRNA decay (NMD) and/or expression of a truncated protein. The population database gnomAD reports an allele frequency of 0.002% for the variant (gnomAD; ALL). Literature data are currently not available.

Blueprint Genetics
Classification: Uncertain significance. Last evaluated: 2021-11-26. Review status: criteria provided, single submitter. Criteria: ACMG Guidelines, 2015. Collection method: clinical testing. Allele origin: germline.

NM_177398.4(LMX1A):c.937C>T (p.Arg313Ter)

Genes: LMX1A (LIM homeobox transcription factor 1 alpha; minus strand), LMX1A-AS2 (LMX1A antisense RNA 2; plus strand). Cytogenetic location: 1q23.3.
Variant type: single nucleotide variant.
Coding change: c.937C>T on transcript NM_177398.4 (MANE Select); coding-DNA position 937, C replaced by T.
Protein change: p.Arg313Ter; replaces arginine 313 with a stop codon.
Molecular consequence: nonsense.
Genome position (GRCh38, 1-based): chr1:165,205,915, G>A on the plus strand (C>T on the coding strand, the complement: LMX1A is on the minus strand). VCF-style: chr1-165205915-G-A. GRCh37 (hg19) VCF-style: chr1-165175152-G-A.
Other names: c.937C>T, p.Arg313Ter (NM_001174069.2); c.937C>T (NM_001174069.1); short protein forms R313*.
Identifiers: ClinVar variation 2503455 (VCV002503455.3), dbSNP rs776905403, ClinGen allele CA1219657.